The following is an entry in ClinVar:

NM_000136.3(FANCC):c.*250G>A

Genes: FANCC (FA complementation group C; minus strand), AOPEP (aminopeptidase O (putative); plus strand). Cytogenetic location: 9q22.32.
Variant type: single nucleotide variant.
Coding change: c.*250G>A on transcript NM_000136.3 (MANE Select); 250 bases downstream of the stop codon, G replaced by A.
Molecular consequence: 3 prime UTR variant.
Genome position (GRCh38, 1-based): chr9:95,101,457, C>T on the plus strand (G>A on the coding strand, the complement: FANCC is on the minus strand). VCF-style: chr9-95101457-C-T. GRCh37 (hg19) VCF-style: chr9-97863739-C-T.
Other names: c.*250G>A (NM_001243743.2).
Identifiers: ClinVar variation 913625 (VCV000913625.4), dbSNP rs193261247, ClinGen allele CA196536345.

ClinVar aggregate classification (germline): Likely benign (1 of 4 stars; one submission).

Conditions:
Fanconi anemia complementation group C (FANCC). Also called: FANCONI PANCYTOPENIA, TYPE 3; FACC; FANCC-Related Fanconi Anemia; Fanconi anemia, group C. Identifiers: Orphanet 84, MedGen C3468041, MONDO:0009213, OMIM 227645.

Allele frequency attached by ClinVar (database versions not stated): gnomAD 0.00006 and 0.00011; TOPMed 0.00011; 1000 Genomes Project 30x 0.00047; 1000 Genomes Project 0.00060.
gnomAD v4.1: 128 of 555,428 alleles (0.023%); highest among the groups gnomAD compares: East Asian, 0.36%; 1 homozygote.

Submission:

Illumina Laboratory Services, Illumina
Classification: Likely benign for Fanconi anemia complementation group C. Last evaluated: 2018-01-13. Review status: criteria provided, single submitter. Criteria: ICSL Variant Classification Criteria 13 December 2019. Collection method: clinical testing. Allele origin: germline.
Comment: This variant was observed in the ICSL laboratory as part of a predisposition screen in an ostensibly healthy population. It had not been previously curated by ICSL or reported in the Human Gene Mutation Database (HGMD: prior to June 1st, 2018), and was therefore a candidate for classification through an automated scoring system. Utilizing variant allele frequency, disease prevalence and penetrance estimates, and inheritance mode, an automated score was calculated to assess if this variant is too frequent to cause the disease. Based on the score and internal cut-off values, a variant classified as likely benign is not then subjected to further curation. The score for this variant resulted in a classification of likely benign for this disease.